The following is an entry in ClinVar:

ClinVar aggregate classification (germline): Likely benign. Review status: criteria provided, multiple submitters, no conflicts (2 of 4 stars). 3 submissions from 3 submitters: Likely benign (3). Last evaluated 2022-07-06.

Conditions:
Oto-palato-digital syndrome, type II (OPD2). Also called: FACIOPALATOOSSEOUS SYNDROME; OPD II SYNDROME; Otopalatodigital Syndrome Type 2 (FLNA-OPD2); Otopalatodigital Syndrome, Type II. Identifiers: Orphanet 669, Orphanet 90652, MedGen C1844696, MONDO:0010571, OMIM 304120.
Heterotopia, periventricular, X-linked dominant (PVNH1). Also called: PERIVENTRICULAR NODULAR HETEROTOPIA 1; X-linked periventricular heterotopia; PERIVENTRICULAR NODULAR HETEROTOPIA 4; HETEROTOPIA, PERIVENTRICULAR, 1. Identifiers: Orphanet 2149, Orphanet 82004, MedGen C1848213, MONDO:0010233, OMIM 300049.
Frontometaphyseal dysplasia (FMD1). Identifiers: Orphanet 1826, MedGen C0265293, MONDO:0015942.
Melnick-Needles syndrome (MNS). Also called: MELNICK-NEEDLES OSTEODYSPLASTY; OSTEODYSPLASTY OF MELNICK AND NEEDLES; Melnick-Needles Syndrome (FLNA-MNS). Identifiers: Orphanet 2484, MedGen C0025237, MONDO:0010650, OMIM 309350.
Familial thoracic aortic aneurysm and aortic dissection (TAAD). Also called: Thoracic aortic aneurysms and dissections. Identifiers: Orphanet 91387, MedGen C4707243, MONDO:0019625.

Allele frequency attached by ClinVar (database versions not stated): gnomAD exomes below 0.00001; TOPMed 0.00001; ExAC 0.00002.
gnomAD v4.1: 1 of 1,200,268 alleles (0.000083%); highest among the groups gnomAD compares: Non-Finnish European, 0.00011%; no homozygotes.

Submissions (3):

Labcorp Genetics (formerly Invitae), Labcorp
Classification: Likely benign for Oto-palato-digital syndrome, type II; Heterotopia, periventricular, X-linked dominant; Frontometaphyseal dysplasia; Melnick-Needles syndrome. Last evaluated: 2022-07-06. Review status: criteria provided, single submitter. Criteria: Invitae Variant Classification Sherloc (09022015). Collection method: clinical testing. Allele origin: germline.

Ambry Genetics
Classification: Likely benign for Familial thoracic aortic aneurysm and aortic dissection. Last evaluated: 2016-08-12. Review status: criteria provided, single submitter. Criteria: Ambry Variant Classification Scheme 2023. Collection method: clinical testing. Allele origin: germline.

GeneDx
Classification: Likely benign. Last evaluated: 2016-05-09. Review status: criteria provided, single submitter. Criteria: GeneDx Variant Classification (06012015). Collection method: clinical testing. Allele origin: germline. Affected: yes.
Comment: This variant is considered likely benign or benign based on one or more of the following criteria: it is a conservative change, it occurs at a poorly conserved position in the protein, it is predicted to be benign by multiple in silico algorithms, and/or has population frequency not consistent with disease.

NM_001110556.2(FLNA):c.90C>T (p.Ala30=)

Gene: FLNA (filamin A; minus strand). Cytogenetic location: Xq28.
Variant type: single nucleotide variant.
Coding change: c.90C>T on transcript NM_001110556.2 (MANE Select); coding-DNA position 90, C replaced by T.
Protein change: p.Ala30=; no amino-acid change (alanine 30 retained).
Molecular consequence: synonymous variant.
Genome position (GRCh38, 1-based): chrX:154,371,156, G>A on the plus strand (C>T on the coding strand, the complement: FLNA is on the minus strand). VCF-style: chrX-154371156-G-A. GRCh37 (hg19) VCF-style: chrX-153599524-G-A.
Other names: c.90C>T, p.Ala30= (NM_001456.4).
Identifiers: ClinVar variation 385899 (VCV000385899.15), dbSNP rs781895805, ClinGen allele CA10561462.